The following is an entry in ClinVar:

NM_003443.3(ZBTB17):c.624A>G (p.Ala208=)

Gene: ZBTB17 (zinc finger and BTB domain containing 17; minus strand). Cytogenetic location: 1p36.13.
Variant type: single nucleotide variant.
Coding change: c.624A>G on transcript NM_003443.3 (MANE Select); coding-DNA position 624, A replaced by G.
Protein change: p.Ala208=; no amino-acid change (alanine 208 retained).
Molecular consequence: synonymous variant.
Genome position (GRCh38, 1-based): chr1:15,945,752, T>C on the plus strand (A>G on the coding strand, the complement: ZBTB17 is on the minus strand). VCF-style: chr1-15945752-T-C. GRCh37 (hg19) VCF-style: chr1-16272247-T-C.
Other names: c.378A>G, p.Ala126= (NM_001242884.2); c.624A>G, p.Ala208= (NM_001287603.2); c.396A>G, p.Ala132= (NM_001287604.2, NM_001324137.2); c.435A>G, p.Ala145= (NM_001324138.2).
Identifiers: ClinVar variation 3045479 (VCV003045479.2), dbSNP rs368013740, ClinGen allele CA621350.

ClinVar aggregate classification (germline): Likely benign (0 of 4 stars; one submission).

Conditions:
ZBTB17-related disorder. Also called: ZBTB17-related condition.

Allele frequency attached by ClinVar (database versions not stated): ExAC 0.00001; gnomAD exomes 0.00001; TOPMed 0.00001; ESP Exome Variant Server 0.00008.
gnomAD v4.1: 9 of 1,607,104 alleles (0.00056%); highest among the groups gnomAD compares: Non-Finnish European, 0.00076%; no homozygotes.

Submission:

PreventionGenetics, part of Exact Sciences
Classification: Likely benign for ZBTB17-related condition. Last evaluated: 2019-10-28. Review status: no assertion criteria provided. Collection method: clinical testing. Allele origin: germline.
Comment: This variant is classified as likely benign based on ACMG/AMP sequence variant interpretation guidelines (Richards et al. 2015 PMID: 25741868, with internal and published modifications).